The following is an entry in ClinVar:

NM_000222.3(KIT):c.80C>T (p.Pro27Leu)

Gene: KIT (KIT proto-oncogene, receptor tyrosine kinase; plus strand). Cytogenetic location: 4q12.
Variant type: single nucleotide variant.
Coding change: c.80C>T on transcript NM_000222.3 (MANE Select); coding-DNA position 80, C replaced by T.
Protein change: p.Pro27Leu; replaces proline 27 with leucine.
Molecular consequence: missense variant.
Genome position (GRCh38, 1-based): chr4:54,695,524, C>T. VCF-style: chr4-54695524-C-T. GRCh37 (hg19) VCF-style: chr4-55561690-C-T.
Other names: c.80C>T, p.Pro27Leu (NM_001093772.2, NM_001385284.1, NM_001385285.1 and 4 more transcripts); short protein forms P27L.
Identifiers: ClinVar variation 639417 (VCV000639417.10), dbSNP rs1307431391, ClinGen allele CA356896804.

ClinVar aggregate classification (germline): Uncertain significance. Review status: criteria provided, multiple submitters, no conflicts (2 of 4 stars). 2 submissions from 2 submitters: Uncertain significance (2). Last evaluated 2025-09-14.

Conditions:
Hereditary cancer-predisposing syndrome. Also called: Hereditary Cancer Syndrome; Tumor predisposition; Neoplastic Syndromes, Hereditary; Hereditary neoplastic syndrome. Identifiers: Orphanet 140162, MedGen C0027672, MeSH D009386, MONDO:0015356.
Gastrointestinal stromal tumor. Also called: Gastrointestinal stromal tumor, somatic; Gastrointestinal stroma tumor. Identifiers: Orphanet 44890, MedGen C0238198, MeSH D046152, MONDO:0011719, OMIM 606764, HP:0100723.

Allele frequency attached by ClinVar (database versions not stated): TOPMed 0.00001.

Submissions (2):

Labcorp Genetics (formerly Invitae), Labcorp
Classification: Uncertain significance for Gastrointestinal stromal tumor. Last evaluated: 2025-09-14. Review status: criteria provided, single submitter. Criteria: Invitae Variant Classification Sherloc (09022015). Collection method: clinical testing. Allele origin: germline.
Comment: This sequence change replaces proline, which is neutral and non-polar, with leucine, which is neutral and non-polar, at codon 27 of the KIT protein (p.Pro27Leu). This variant is not present in population databases (gnomAD no frequency). This variant has not been reported in the literature in individuals affected with KIT-related conditions. ClinVar contains an entry for this variant (Variation ID: 639417). An algorithm developed to predict the effect of missense changes on protein structure and function (PolyPhen-2) suggests that this variant is likely to be disruptive. In summary, the available evidence is currently insufficient to determine the role of this variant in disease. Therefore, it has been classified as a Variant of Uncertain Significance.

Ambry Genetics
Classification: Uncertain significance for Hereditary cancer-predisposing syndrome. Last evaluated: 2023-11-17. Review status: criteria provided, single submitter. Criteria: Ambry Variant Classification Scheme 2023. Collection method: clinical testing. Allele origin: germline.
Comment: The p.P27L variant (also known as c.80C>T), located in coding exon 2 of the KIT gene, results from a C to T substitution at nucleotide position 80. The proline at codon 27 is replaced by leucine, an amino acid with similar properties. This amino acid position is conserved. In addition, the in silico prediction for this alteration is inconclusive. Since supporting evidence is limited at this time, the clinical significance of this alteration remains unclear.